The following is an entry in ClinVar:

NM_002519.3(NPAT):c.2161G>A (p.Asp721Asn)

Gene: NPAT (nuclear protein, coactivator of histone transcription; minus strand). Cytogenetic location: 11q22.3.
Variant type: single nucleotide variant.
Coding change: c.2161G>A on transcript NM_002519.3 (MANE Select); coding-DNA position 2161, G replaced by A.
Protein change: p.Asp721Asn; replaces aspartic acid 721 with asparagine.
Molecular consequence: missense variant.
Genome position (GRCh38, 1-based): chr11:108,172,823, C>T on the plus strand (G>A on the coding strand, the complement: NPAT is on the minus strand). VCF-style: chr11-108172823-C-T. GRCh37 (hg19) VCF-style: chr11-108043550-C-T.
Other names: c.2161G>A, p.Asp721Asn (NM_001321307.1); short protein forms D721N.
Identifiers: ClinVar variation 1786923 (VCV001786923.2), dbSNP rs2134836157, ClinGen allele CA382513562.

ClinVar aggregate classification (germline): Uncertain significance (1 of 4 stars; one submission).

Allele frequency attached by ClinVar (database versions not stated): gnomAD exomes below 0.00001.
gnomAD v4.1: 2 of 1,613,766 alleles (0.00012%); highest among the groups gnomAD compares: Non-Finnish European, 0.000085%; no homozygotes.

Submission:

Ambry Genetics
Classification: Uncertain significance. Last evaluated: 2021-08-15. Review status: criteria provided, single submitter. Criteria: Ambry Variant Classification Scheme 2023. Collection method: clinical testing. Allele origin: germline.
Comment: The p.D721N variant (also known as c.2161G>A), located in coding exon 13 of the NPAT gene, results from a G to A substitution at nucleotide position 2161. The aspartic acid at codon 721 is replaced by asparagine, an amino acid with highly similar properties. This amino acid position is conserved. In addition, this alteration is predicted to be tolerated by in silico analysis. Since supporting evidence is limited at this time, the clinical significance of this alteration remains unclear.